The following is an entry in ClinVar:

NM_001008537.3(NEXMIF):c.3691G>T (p.Ala1231Ser)

Gene: NEXMIF (neurite extension and migration factor; minus strand). Cytogenetic location: Xq13.3.
Variant type: single nucleotide variant.
Coding change: c.3691G>T on transcript NM_001008537.3 (MANE Select); coding-DNA position 3691, G replaced by T.
Protein change: p.Ala1231Ser; replaces alanine 1231 with serine.
Molecular consequence: missense variant.
Genome position (GRCh38, 1-based): chrX:74,740,866, C>A on the plus strand (G>T on the coding strand, the complement: NEXMIF is on the minus strand). VCF-style: chrX-74740866-C-A. GRCh37 (hg19) VCF-style: chrX-73960701-C-A.
Other names: short protein forms A1231S.
Identifiers: ClinVar variation 1311503 (VCV001311503.2), dbSNP rs1602210955, ClinGen allele CA413664960.

ClinVar aggregate classification (germline): Uncertain significance (1 of 4 stars; one submission).

Submission:

GeneDx
Classification: Uncertain significance. Last evaluated: 2020-01-09. Review status: criteria provided, single submitter. Criteria: GeneDx Variant Classification Process June 2021. Collection method: clinical testing. Allele origin: germline. Affected: yes.
Comment: Not observed in large population cohorts (Lek et al., 2016); In silico analysis, which includes protein predictors and evolutionary conservation, supports that this variant does not alter protein structure/function; Has not been previously published as pathogenic or benign to our knowledge